The following is an entry in ClinVar:

NM_014915.3(ANKRD26):c.2268G>A (p.Met756Ile)

Gene: ANKRD26 (ankyrin repeat domain 26; minus strand). Cytogenetic location: 10p12.1.
Variant type: single nucleotide variant.
Coding change: c.2268G>A on transcript NM_014915.3 (MANE Select); coding-DNA position 2268, G replaced by A.
Protein change: p.Met756Ile; replaces methionine 756 with isoleucine.
Molecular consequence: missense variant.
Genome position (GRCh38, 1-based): chr10:27,040,072, C>T on the plus strand (G>A on the coding strand, the complement: ANKRD26 is on the minus strand). VCF-style: chr10-27040072-C-T. GRCh37 (hg19) VCF-style: chr10-27329001-C-T.
Other names: c.2265G>A, p.Met755Ile (NM_001256053.2); short protein forms M756I, M755I.
Identifiers: ClinVar variation 3868836 (VCV003868836.2).

ClinVar aggregate classification (germline): Uncertain significance. Review status: criteria provided, multiple submitters, no conflicts (2 of 4 stars). 2 submissions from 2 submitters: Uncertain significance (2). Last evaluated 2025-10-07.

Conditions:
Inborn genetic diseases. Identifiers: MedGen C0950123, MeSH D030342.

gnomAD v4.1: 8 of 1,613,084 alleles (0.0005%); highest among the groups gnomAD compares: Non-Finnish European, 0.00059%; no homozygotes.

Submissions (2):

Labcorp Genetics (formerly Invitae), Labcorp
Classification: Uncertain significance. Last evaluated: 2025-10-07. Review status: criteria provided, single submitter. Criteria: Invitae Variant Classification Sherloc (09022015). Collection method: clinical testing. Allele origin: germline.
Comment: This sequence change replaces methionine, which is neutral and non-polar, with isoleucine, which is neutral and non-polar, at codon 756 of the ANKRD26 protein (p.Met756Ile). This variant is present in population databases (no rsID available, gnomAD 0.0009%). This variant has not been reported in the literature in individuals affected with ANKRD26-related conditions. ClinVar contains an entry for this variant (Variation ID: 3868836). An algorithm developed to predict the effect of missense changes on protein structure and function (PolyPhen-2) suggests that this variant is likely to be tolerated. In summary, the available evidence is currently insufficient to determine the role of this variant in disease. Therefore, it has been classified as a Variant of Uncertain Significance.

Ambry Genetics
Classification: Uncertain significance for Inborn genetic diseases. Last evaluated: 2024-12-22. Review status: criteria provided, single submitter. Criteria: Ambry Variant Classification Scheme 2023. Collection method: clinical testing. Allele origin: germline.
Comment: The p.M756I variant (also known as c.2268G>A), located in coding exon 21 of the ANKRD26 gene, results from a G to A substitution at nucleotide position 2268. The methionine at codon 756 is replaced by isoleucine, an amino acid with highly similar properties. This amino acid position is conserved. In addition, this alteration is predicted to be tolerated by in silico analysis. Based on the available evidence, the clinical significance of this variant remains unclear.